The following is an entry in ClinVar:

NM_000057.4(BLM):c.881A>T (p.Asp294Val)

Gene: BLM (BLM RecQ like helicase; plus strand). Cytogenetic location: 15q26.1.
Variant type: single nucleotide variant.
Coding change: c.881A>T on transcript NM_000057.4 (MANE Select); coding-DNA position 881, A replaced by T.
Protein change: p.Asp294Val; replaces aspartic acid 294 with valine.
Molecular consequence: missense variant. On other transcripts: 5 prime UTR variant (1).
Genome position (GRCh38, 1-based): chr15:90,751,868, A>T. VCF-style: chr15-90751868-A-T. GRCh37 (hg19) VCF-style: chr15-91295098-A-T.
Other names: c.881A>T, p.Asp294Val (NM_001287246.2, NM_001287247.2); c.-411A>T (NM_001287248.2); short protein forms D294V.
Identifiers: ClinVar variation 3824465 (VCV003824465.1).

ClinVar aggregate classification (germline): Uncertain significance (1 of 4 stars; one submission).

Conditions:
Hereditary cancer-predisposing syndrome. Also called: Hereditary neoplastic syndrome; Neoplastic Syndromes, Hereditary; Tumor predisposition; Hereditary Cancer Syndrome. Identifiers: Orphanet 140162, MedGen C0027672, MeSH D009386, MONDO:0015356.

gnomAD v4.1: 1 of 1,612,748 alleles (0.000062%); highest among the groups gnomAD compares: Non-Finnish European, 0.000085%; no homozygotes.

Submission:

Ambry Genetics
Classification: Uncertain significance for Hereditary cancer-predisposing syndrome. Last evaluated: 2025-02-06. Review status: criteria provided, single submitter. Criteria: Ambry Variant Classification Scheme 2023. Collection method: clinical testing. Allele origin: germline.
Comment: The p.D294V variant (also known as c.881A>T), located in coding exon 3 of the BLM gene, results from an A to T substitution at nucleotide position 881. The aspartic acid at codon 294 is replaced by valine, an amino acid with highly dissimilar properties. This amino acid position is conserved. In addition, the in silico prediction for this alteration is inconclusive. Based on the available evidence, the clinical significance of this variant remains unclear.